The following is an entry in ClinVar:

NC_000008.10:g.(?_145637797)_(145642229_?)dup

Gene: SLC39A4 (solute carrier family 39 member 4; minus strand). Cytogenetic location: 8q24.3.
Variant type: Duplication.
Identifiers: ClinVar variation 3385139 (VCV003385139.1).

ClinVar aggregate classification (germline): Uncertain significance (1 of 4 stars; one submission).

Submission:

Women's Health and Genetics/Laboratory Corporation of America, LabCorp
Classification: Uncertain significance. Last evaluated: 2024-10-22. Review status: criteria provided, single submitter. Criteria: LabCorp Variant Classification Summary - May 2015. Collection method: clinical testing. Allele origin: germline.
Comment: Variant summary: The variant involves the duplication of exons 1-12 in the SLC39A4 gene. A presumed nomenclature of c.(?_-56)_(*125_?)dup has been designated for the purposes of this classification. This duplication includes the entire coding sequence of the gene. As exact breakpoints are unknown, it may extend beyond the annotated region of the gene, to include other flanking genes. The variant allele was found at a frequency of 9.2e-05 in 21692 control chromosomes (gnomAD SV v2). The available data on variant occurrences in the general population are insufficient to allow any conclusion about variant significance. To our knowledge, no occurrence of c.(?_-56)_(*125_?)dup in individuals affected with Acrodermatitis Enteropathica and no experimental evidence demonstrating its impact on protein function have been reported. No submitters have cited clinical-significance assessments for this variant to ClinVar. Based on the evidence outlined above, the variant was classified as uncertain significance.